The following is an entry in ClinVar:

ClinVar aggregate classification (germline): Uncertain significance (1 of 4 stars; one submission).

Conditions:
Multiple endocrine neoplasia, type 2 (MEN2). Identifiers: Orphanet 653, MedGen C4048306, MONDO:0019003. Disease mechanism: gain of function.

Submission:

Labcorp Genetics (formerly Invitae), Labcorp
Classification: Uncertain significance for Multiple endocrine neoplasia, type 2. Last evaluated: 2019-08-10. Review status: criteria provided, single submitter. Criteria: Invitae Variant Classification Sherloc (09022015). Collection method: clinical testing. Allele origin: germline.
Comment: In summary, the available evidence is currently insufficient to determine the role of this variant in disease. Therefore, it has been classified as a Variant of Uncertain Significance. Algorithms developed to predict the effect of missense changes on protein structure and function are either unavailable or do not agree on the potential impact of this missense change (SIFT: "Deleterious"; PolyPhen-2: "Possibly Damaging"; Align-GVGD: "Class C0"). This variant has not been reported in the literature in individuals with RET-related conditions. This variant is not present in population databases (ExAC no frequency). This sequence change replaces leucine with valine at codon 746 of the RET protein (p.Leu746Val). The leucine residue is highly conserved and there is a small physicochemical difference between leucine and valine.

NM_020975.6(RET):c.2236C>G (p.Leu746Val)

Gene: RET (ret proto-oncogene; plus strand). Cytogenetic location: 10q11.21.
Variant type: single nucleotide variant.
Coding change: c.2236C>G on transcript NM_020975.6 (MANE Select); coding-DNA position 2236, C replaced by G.
Protein change: p.Leu746Val; replaces leucine 746 with valine.
Molecular consequence: missense variant.
Genome position (GRCh38, 1-based): chr10:43,116,683, C>G. VCF-style: chr10-43116683-C-G. GRCh37 (hg19) VCF-style: chr10-43612131-C-G.
Other names: c.2236C>G, p.Leu746Val (NM_000323.2, NM_001406743.1, NM_001406744.1 and 4 more transcripts); c.1474C>G, p.Leu492Val (NM_001355216.2); c.2107C>G, p.Leu703Val (NM_001406761.1, NM_001406762.1, NM_001406764.1); c.2101C>G, p.Leu701Val (NM_001406763.1, NM_001406765.1); c.1948C>G, p.Leu650Val (NM_001406766.1, NM_001406767.1, NM_001406770.1); c.1972C>G, p.Leu658Val (NM_001406768.1); c.1840C>G, p.Leu614Val (NM_001406769.1, NM_001406772.1); c.1798C>G, p.Leu600Val (NM_001406771.1, NM_001406773.1); and 10 more; short protein forms L492V, L746V, L404V, L416V, L351V, L407V, L650V, L703V.
Identifiers: ClinVar variation 940090 (VCV000940090.10), dbSNP rs1838078155, ClinGen allele CA376554660.